The following is an entry in ClinVar:

ClinVar aggregate classification (germline): Uncertain significance (1 of 4 stars; one submission).

Conditions:
Inborn genetic diseases. Identifiers: MedGen C0950123, MeSH D030342.

Submission:

Ambry Genetics
Classification: Uncertain significance for Inborn genetic diseases. Last evaluated: 2025-02-21. Review status: criteria provided, single submitter. Criteria: Ambry Variant Classification Scheme 2023. Collection method: clinical testing. Allele origin: germline.
Comment: The p.S93N variant (also known as c.278G>A), located in coding exon 2 of the HAX1 gene, results from a G to A substitution at nucleotide position 278. The serine at codon 93 is replaced by asparagine, an amino acid with highly similar properties. This amino acid position is conserved. In addition, this alteration is predicted to be tolerated by in silico analysis. Based on the available evidence, the clinical significance of this variant remains unclear.

NM_006118.4(HAX1):c.278G>A (p.Ser93Asn)

Gene: HAX1 (HCLS1 associated protein X-1; plus strand). Cytogenetic location: 1q21.3.
Variant type: single nucleotide variant.
Coding change: c.278G>A on transcript NM_006118.4 (MANE Select); coding-DNA position 278, G replaced by A.
Protein change: p.Ser93Asn; replaces serine 93 with asparagine.
Molecular consequence: missense variant.
Genome position (GRCh38, 1-based): chr1:154,273,560, G>A. VCF-style: chr1-154273560-G-A. GRCh37 (hg19) VCF-style: chr1-154246036-G-A.
Other names: c.134G>A, p.Ser45Asn (NM_001018837.2); short protein forms S93N, S45N.
Identifiers: ClinVar variation 3856893 (VCV003856893.1).